The following is an entry in ClinVar:

NM_000548.5(TSC2):c.3160G>A (p.Gly1054Ser)

Gene: TSC2 (TSC complex subunit 2; plus strand). Cytogenetic location: 16p13.3.
Variant type: single nucleotide variant.
Coding change: c.3160G>A on transcript NM_000548.5 (MANE Select); coding-DNA position 3160, G replaced by A.
Protein change: p.Gly1054Ser; replaces glycine 1054 with serine.
Molecular consequence: missense variant. On other transcripts: non-coding transcript variant (5).
Genome position (GRCh38, 1-based): chr16:2,079,304, G>A. VCF-style: chr16-2079304-G-A. GRCh37 (hg19) VCF-style: chr16-2129305-G-A.
Other names: c.3010G>A, p.Gly1004Ser (NM_001406676.1); c.2971G>A, p.Gly991Ser (NM_001406677.1); c.2917G>A, p.Gly973Ser (NM_001406678.1); c.2881G>A, p.Gly961Ser (NM_001406679.1); c.2560G>A, p.Gly854Ser (NM_001406680.1, NM_001406682.1, NM_001406683.1); c.2569G>A, p.Gly857Ser (NM_001406681.1); c.2557G>A, p.Gly853Ser (NM_001406684.1); c.2431G>A, p.Gly811Ser (NM_001406685.1, NM_001406686.1); and 18 more; short protein forms G1004S, G1041S, G1053S, G562S, G811S, G854S, G974S, G1010S.
Identifiers: ClinVar variation 2765036 (VCV002765036.4), dbSNP rs2151437597, ClinGen allele CA394285343.

ClinVar aggregate classification (germline): Uncertain significance. Review status: criteria provided, multiple submitters, no conflicts (2 of 4 stars). 2 submissions from 2 submitters: Uncertain significance (2). Last evaluated 2026-02-11.

Conditions:
Tuberous sclerosis 2 (TSC2). Identifiers: Orphanet 805, MedGen C1860707, MONDO:0013199, OMIM 613254.

Submissions (2):

St. Jude Molecular Pathology, St. Jude Children's Research Hospital
Classification: Uncertain significance for Tuberous sclerosis 2. Last evaluated: 2026-02-11. Review status: criteria provided, single submitter. Criteria: St. Jude Assertion Criteria 2020. Collection method: clinical testing. Allele origin: germline.
Comment: The TSC2 c.3160G>A p.(Gly1054Ser) missense change is absent in gnomAD v2.1.1. The in silico tool REVEL predicts a deleterious effect on protein function, but to our knowledge this prediction has not been confirmed by functional studies. To our knowledge, this variant has not been reported in individuals with tuberous sclerosis complex. In summary, the evidence currently available is insufficient to determine the clinical significance of this variant. It has therefore been classified as of uncertain significance.

Labcorp Genetics (formerly Invitae), Labcorp
Classification: Uncertain significance for Tuberous sclerosis 2. Last evaluated: 2023-10-04. Review status: criteria provided, single submitter. Criteria: Invitae Variant Classification Sherloc (09022015). Collection method: clinical testing. Allele origin: germline.
Comment: This sequence change replaces glycine, which is neutral and non-polar, with serine, which is neutral and polar, at codon 1054 of the TSC2 protein (p.Gly1054Ser). This variant is not present in population databases (gnomAD no frequency). This variant has not been reported in the literature in individuals affected with TSC2-related conditions. Advanced modeling of protein sequence and biophysical properties (such as structural, functional, and spatial information, amino acid conservation, physicochemical variation, residue mobility, and thermodynamic stability) performed at Invitae indicates that this missense variant is not expected to disrupt TSC2 protein function. In summary, the available evidence is currently insufficient to determine the role of this variant in disease. Therefore, it has been classified as a Variant of Uncertain Significance.